The following is an entry in ClinVar:

NM_022132.5(MCCC2):c.1356G>A (p.Met452Ile)

Gene: MCCC2 (methylcrotonyl-CoA carboxylase subunit 2; plus strand). Cytogenetic location: 5q13.2.
Variant type: single nucleotide variant.
Coding change: c.1356G>A on transcript NM_022132.5 (MANE Select); coding-DNA position 1356, G replaced by A.
Protein change: p.Met452Ile; replaces methionine 452 with isoleucine.
Molecular consequence: missense variant.
Genome position (GRCh38, 1-based): chr5:71,649,236, G>A. VCF-style: chr5-71649236-G-A. GRCh37 (hg19) VCF-style: chr5-70945063-G-A.
Other names: c.1242G>A, p.Met414Ile (NM_001363147.1); short protein forms M414I, M452I.
Identifiers: ClinVar variation 4292445 (VCV004292445.1).

ClinVar aggregate classification (germline): Uncertain significance (1 of 4 stars; one submission).

Conditions:
3-methylcrotonyl-CoA carboxylase 2 deficiency. Also called: METHYLCROTONYLGLYCINURIA, TYPE II; 3 alpha methylcrotonyl-CoA carboxylase 2 deficiency; 3 alpha methylcrotonylglycinuria 2; MCC 2 deficiency; Methylcrotonylglycinuria type 2. Identifiers: Orphanet 6, MedGen C1859499, MONDO:0008862, OMIM 210210.

Submission:

3billion
Classification: Uncertain significance for 3-methylcrotonyl-CoA carboxylase 2 deficiency. Last evaluated: 2024-09-24. Review status: criteria provided, single submitter. Criteria: ACMG Guidelines, 2015. Collection method: clinical testing. Allele origin: germline. Affected: yes.
Comment: The variant is not observed in the gnomAD v4.0.0 dataset. Predicted Consequence/Location: Missense variant In silico tool predictions suggest damaging effect of the variant on gene or gene product [REVEL: 0.91 (>=0.6, sensitivity 0.68 and specificity 0.92); 3Cnet: 0.95 (>=0.6, sensitivity 0.72 and precision 0.9)]. Therefore, this variant is classified as VUS according to the recommendation of ACMG/AMP guideline.